The following is an entry in ClinVar:

ClinVar aggregate classification (germline): Uncertain significance (1 of 4 stars; one submission).

Submission:

GeneDx
Classification: Uncertain significance. Last evaluated: 2022-03-21. Review status: criteria provided, single submitter. Criteria: GeneDx Variant Classification Process June 2021. Collection method: clinical testing. Allele origin: germline. Affected: yes.
Comment: Not observed at significant frequency in large population cohorts (gnomAD); In silico analysis supports that this missense variant has a deleterious effect on protein structure/function; Has not been previously published as pathogenic or benign to our knowledge

NM_031206.7(LAS1L):c.184G>C (p.Asp62His)

Gene: LAS1L (LAS1 like ribosome biogenesis factor; minus strand). Cytogenetic location: Xq12.
Variant type: single nucleotide variant.
Coding change: c.184G>C on transcript NM_031206.7 (MANE Select); coding-DNA position 184, G replaced by C.
Protein change: p.Asp62His; replaces aspartic acid 62 with histidine.
Molecular consequence: missense variant. On other transcripts: 5 prime UTR variant (1), non-coding transcript variant (1).
Genome position (GRCh38, 1-based): chrX:65,534,532, C>G on the plus strand (G>C on the coding strand, the complement: LAS1L is on the minus strand). VCF-style: chrX-65534532-C-G. GRCh37 (hg19) VCF-style: chrX-64754412-C-G.
Other names: c.184G>C, p.Asp62His (NM_001170649.2, NM_001170650.2, NM_001375328.1 and 9 more transcripts); c.-613G>C (NM_001375332.1); short protein forms D62H.
Identifiers: ClinVar variation 1706983 (VCV001706983.2), dbSNP rs2522721049, ClinGen allele CA413321081.